The following is an entry in ClinVar:

NM_000303.3(PMM2):c.522A>G (p.Ile174Met)

Gene: PMM2 (phosphomannomutase 2; plus strand). Cytogenetic location: 16p13.2.
Variant type: single nucleotide variant.
Coding change: c.522A>G on transcript NM_000303.3 (MANE Select); coding-DNA position 522, A replaced by G.
Protein change: p.Ile174Met; replaces isoleucine 174 with methionine.
Molecular consequence: missense variant.
Genome position (GRCh38, 1-based): chr16:8,811,712, A>G. VCF-style: chr16-8811712-A-G. GRCh37 (hg19) VCF-style: chr16-8905569-A-G.
Other names: c.522A>G (NM_000303.2); short protein forms I174M.
Identifiers: ClinVar variation 2139642 (VCV002139642.2), dbSNP rs770792153, ClinGen allele CA7894100.

ClinVar aggregate classification (germline): Uncertain significance. Review status: criteria provided, multiple submitters, no conflicts (2 of 4 stars). 2 submissions from 2 submitters: Uncertain significance (2). Last evaluated 2025-09-25.

Conditions:
PMM2-congenital disorder of glycosylation. Also called: JAEKEN SYNDROME; PHOSPHOMANNOMUTASE 2 DEFICIENCY; CARBOHYDRATE-DEFICIENT GLYCOPROTEIN SYNDROME, TYPE Ia; Congenital disorder of glycosylation, type Ia; CDG Ia; PMM2-CDG. Identifiers: Orphanet 79318, MedGen C0349653, MONDO:0008907, OMIM 212065.
Inborn genetic diseases. Identifiers: MedGen C0950123, MeSH D030342.

Allele frequency attached by ClinVar (database versions not stated): ExAC 0.00002; gnomAD 0.00002; TOPMed 0.00002; gnomAD exomes 0.00004.
gnomAD v4.1: 57 of 1,603,074 alleles (0.0036%); highest among the groups gnomAD compares: Non-Finnish European, 0.0048%; no homozygotes.

Submissions (2):

Ambry Genetics
Classification: Uncertain significance for Inborn genetic diseases. Last evaluated: 2025-09-25. Review status: criteria provided, single submitter. Criteria: Ambry Variant Classification Scheme 2023. Collection method: clinical testing. Allele origin: germline.
Comment: The c.522A>G (p.I174M) alteration is located in exon 6 (coding exon 6) of the PMM2 gene. This alteration results from a A to G substitution at nucleotide position 522, causing the isoleucine (I) at amino acid position 174 to be replaced by a methionine (M). Based on data from gnomAD, the G allele has an overall frequency of 0.001% (3/282846) total alleles studied. The highest observed frequency was 0.004% (1/24968) of African alleles. Based on insufficient or conflicting evidence, the clinical significance of this alteration remains unclear.

Labcorp Genetics (formerly Invitae), Labcorp
Classification: Uncertain significance for PMM2-congenital disorder of glycosylation. Last evaluated: 2022-01-21. Review status: criteria provided, single submitter. Criteria: Invitae Variant Classification Sherloc (09022015). Collection method: clinical testing. Allele origin: germline.
Comment: This sequence change replaces isoleucine, which is neutral and non-polar, with methionine, which is neutral and non-polar, at codon 174 of the PMM2 protein (p.Ile174Met). This variant is present in population databases (rs770792153, gnomAD 0.004%). This variant has not been reported in the literature in individuals affected with PMM2-related conditions. Algorithms developed to predict the effect of missense changes on protein structure and function are either unavailable or do not agree on the potential impact of this missense change (SIFT: "Deleterious"; PolyPhen-2: "Probably Damaging"; Align-GVGD: "Class C0"). Algorithms developed to predict the effect of sequence changes on RNA splicing suggest that this variant may disrupt the consensus splice site. In summary, the available evidence is currently insufficient to determine the role of this variant in disease. Therefore, it has been classified as a Variant of Uncertain Significance.